The following is an entry in ClinVar:

NM_020166.5(MCCC1):c.534_535delinsTT (p.Glu179Ter)

Gene: MCCC1 (methylcrotonyl-CoA carboxylase subunit 1; minus strand). Cytogenetic location: 3q27.1.
Variant type: Indel.
Coding change: c.534_535delinsTT on transcript NM_020166.5 (MANE Select); coding-DNA positions 534 to 535, GG replaced by TT.
Protein change: p.Glu179Ter; replaces glutamic acid 179 with a stop codon.
Molecular consequence: nonsense. On other transcripts: non-coding transcript variant (2).
Genome position (GRCh38, 1-based): chr3:183,071,314-183,071,315, CC replaced by AA on the plus strand (GG replaced by TT on the coding strand, the reverse complement: MCCC1 is on the minus strand). VCF-style: chr3-183071314-CC-AA. GRCh37 (hg19) VCF-style: chr3-182789102-CC-AA.
Other names: c.183_184delinsTT, p.Glu62Ter (NM_001293273.2); c.207_208delinsTT, p.Glu70Ter (NM_001363880.1); short protein forms E179*, E62*, E70*.
Identifiers: ClinVar variation 1458008 (VCV001458008.7), dbSNP rs2108526606, ClinGen allele CA2573136748.

ClinVar aggregate classification (germline): Pathogenic/Likely pathogenic. Review status: criteria provided, multiple submitters, no conflicts (2 of 4 stars). 2 submissions from 2 submitters: Pathogenic (1); Likely pathogenic (1). Last evaluated 2023-10-23.

Conditions:
3-methylcrotonyl-CoA carboxylase 1 deficiency (MCC1D). Also called: MCCD TYPE 1; METHYLCROTONYLGLYCINURIA TYPE I; MCC 1 deficiency; 3 Alpha methylcrotonylglycinuria 1. Identifiers: Orphanet 6, MedGen CN028786, MONDO:0008861, OMIM 210200.

Submissions (2):

Labcorp Genetics (formerly Invitae), Labcorp
Classification: Pathogenic for 3-methylcrotonyl-CoA carboxylase 1 deficiency. Last evaluated: 2023-10-23. Review status: criteria provided, single submitter. Criteria: Invitae Variant Classification Sherloc (09022015). Collection method: clinical testing. Allele origin: germline.
Comment: This sequence change creates a premature translational stop signal (p.Glu179*) in the MCCC1 gene. It is expected to result in an absent or disrupted protein product. Loss-of-function variants in MCCC1 are known to be pathogenic (PMID: 11181649, 15359379, 22642865). Information on the frequency of this variant in the gnomAD database is not available, as this variant may be reported differently in the database. This variant has not been reported in the literature in individuals affected with MCCC1-related conditions. ClinVar contains an entry for this variant (Variation ID: 1458008). For these reasons, this variant has been classified as Pathogenic.

Baylor Genetics
Classification: Likely pathogenic for 3-methylcrotonyl-CoA carboxylase 1 deficiency. Last evaluated: 2021-10-27. Review status: criteria provided, single submitter. Criteria: ACMG Guidelines, 2015. Collection method: clinical testing. Allele origin: unknown.

Literature cited by the submitters: PubMed 11181649 (cited by Labcorp Genetics (formerly Invitae), Labcorp); PubMed 15359379 (cited by Labcorp Genetics (formerly Invitae), Labcorp); PubMed 22642865 (cited by Labcorp Genetics (formerly Invitae), Labcorp).